The following is an entry in ClinVar:

NM_004958.4(MTOR):c.3527C>T (p.Thr1176Met)

Gene: MTOR (mechanistic target of rapamycin kinase; minus strand). Cytogenetic location: 1p36.22.
Variant type: single nucleotide variant.
Coding change: c.3527C>T on transcript NM_004958.4 (MANE Select); coding-DNA position 3527, C replaced by T.
Protein change: p.Thr1176Met; replaces threonine 1176 with methionine.
Molecular consequence: missense variant.
Genome position (GRCh38, 1-based): chr1:11,212,346, G>A on the plus strand (C>T on the coding strand, the complement: MTOR is on the minus strand). VCF-style: chr1-11212346-G-A. GRCh37 (hg19) VCF-style: chr1-11272403-G-A.
Other names: short protein forms T1176M.
Identifiers: ClinVar variation 938582 (VCV000938582.22), dbSNP rs557533784, ClinGen allele CA590205.

ClinVar aggregate classification (germline): Conflicting classifications of pathogenicity. Review status: criteria provided, conflicting classifications (1 of 4 stars). 2 submissions from 2 submitters: Uncertain significance (1); Likely benign (1). Last evaluated 2024-10-15.

Allele frequency attached by ClinVar (database versions not stated): TOPMed below 0.00001; ExAC 0.00001; gnomAD 0.00001; gnomAD exomes 0.00001; 1000 Genomes Project 30x 0.00016; 1000 Genomes Project 0.00020.
gnomAD v4.1: 12 of 1,614,036 alleles (0.00074%); highest among the groups gnomAD compares: East Asian, 0.0022%; no homozygotes.

Submissions (2):

Labcorp Genetics (formerly Invitae), Labcorp
Classification: Likely benign. Last evaluated: 2024-10-15. Review status: criteria provided, single submitter. Criteria: Invitae Variant Classification Sherloc (09022015). Collection method: clinical testing. Allele origin: germline.

CeGaT Center for Human Genetics Tuebingen
Classification: Uncertain significance. Last evaluated: 2024-10-01. Review status: criteria provided, single submitter. Criteria: CeGaT Center For Human Genetics Tuebingen Variant Classification Criteria Version 2. Collection method: clinical testing. Allele origin: germline. Affected: yes. Observed: 1 variant allele.
Comment: MTOR: PP3